The following is an entry in ClinVar:

ClinVar aggregate classification (germline): Conflicting classifications of pathogenicity. Review status: criteria provided, conflicting classifications (1 of 4 stars). 4 submissions from 4 submitters: Uncertain significance (1); Benign (2); Likely benign (1). Last evaluated 2025-09-02.

Conditions:
Inborn genetic diseases. Identifiers: MedGen C0950123, MeSH D030342.

Allele frequency attached by ClinVar (database versions not stated): ExAC 0.00010; 1000 Genomes Project 30x 0.00042; gnomAD exomes 0.00009 and 0.00003; ESP Exome Variant Server 0.00028; TOPMed 0.00032; 1000 Genomes Project 0.00026; gnomAD 0.00030 and 0.00032.
gnomAD v4.1: 68 of 1,202,471 alleles (0.0057%); highest among the groups gnomAD compares: African/African-American, 0.095%; no homozygotes.

Submissions (4):

Mayo Clinic Laboratories, Mayo Clinic
Classification: Benign. Last evaluated: 2025-09-02. Review status: criteria provided, single submitter. Criteria: ACMG Guidelines, 2015. Collection method: clinical testing. Allele origin: germline. Observed: 1 variant allele.
Comment: BS1, BS2, BP4, BP7

Labcorp Genetics (formerly Invitae), Labcorp
Classification: Benign. Last evaluated: 2024-04-26. Review status: criteria provided, single submitter. Criteria: Invitae Variant Classification Sherloc (09022015). Collection method: clinical testing. Allele origin: germline.

Ambry Genetics
Classification: Likely benign for Inborn genetic diseases. Last evaluated: 2017-05-30. Review status: criteria provided, single submitter. Criteria: Ambry Variant Classification Scheme 2023. Collection method: clinical testing. Allele origin: germline.

Eurofins Ntd Llc (ga)
Classification: Uncertain significance. Last evaluated: 2015-02-16. Review status: criteria provided, single submitter. Criteria: EGL Classification Definitions 2015. Collection method: clinical testing. Allele origin: germline. Observed: 1 variant allele, 1 heterozygote.

NM_004595.5(SMS):c.978G>A (p.Ser326=)

Gene: SMS (spermine synthase; plus strand). Cytogenetic location: Xp22.11.
Variant type: single nucleotide variant.
Coding change: c.978G>A on transcript NM_004595.5 (MANE Select); coding-DNA position 978, G replaced by A.
Protein change: p.Ser326=; no amino-acid change (serine 326 retained).
Molecular consequence: synonymous variant.
Genome position (GRCh38, 1-based): chrX:21,992,629, G>A. VCF-style: chrX-21992629-G-A. GRCh37 (hg19) VCF-style: chrX-22010747-G-A.
Other names: p.Ser326=; c.819G>A, p.Ser273= (NM_001258423.2).
Identifiers: ClinVar variation 193674 (VCV000193674.16), dbSNP rs150564614, ClinGen allele CA239260.